The following is an entry in ClinVar:

NM_005921.2(MAP3K1):c.1153-2_1153-1insAC

Gene: MAP3K1 (mitogen-activated protein kinase kinase kinase 1; plus strand). Cytogenetic location: 5q11.2.
Variant type: Insertion.
Coding change: c.1153-2_1153-1insAC on transcript NM_005921.2 (MANE Select); the canonical splice acceptor site of the intron before coding-DNA position 1153, AC inserted.
Molecular consequence: splice acceptor variant.
Genome position: GRCh38 VCF-style: chr5-56865827-A-AAC. GRCh37 (hg19) VCF-style: chr5-56161654-A-AAC.
Identifiers: ClinVar variation 4719390 (VCV004719390.1).
Genomic context (GRCh38, chr5:56,865,827, plus strand): 5'-GAACTCTTCATATGTATAATTATGGCACAAATATCATTGTTACTGTCTTTTTCCAATGTT[A>AAC]GGTTGAGAGTTTGTTCCAGAAATATCACAGTAGGCGTAGCTCAAGGATCAAAGCTCCATC-3'

ClinVar aggregate classification (germline): Uncertain significance (1 of 4 stars; one submission).

Conditions:
46,XY sex reversal 6. Also called: 46,XY SEX REVERSAL, PARTIAL OR COMPLETE, MAP3K1-RELATED; 46,XY GONADAL DYSGENESIS, PARTIAL OR COMPLETE, MAP3K1-RELATED. Identifiers: MedGen C3151064, MONDO:0013410, OMIM 613762.

Submission:

Labcorp Genetics (formerly Invitae), Labcorp
Classification: Uncertain significance for 46,XY sex reversal 6. Last evaluated: 2025-05-11. Review status: criteria provided, single submitter. Criteria: Invitae Variant Classification Sherloc (09022015). Collection method: clinical testing. Allele origin: germline.
Comment: This sequence change affects a splice site in intron 5 of the MAP3K1 gene. It is expected to disrupt RNA splicing. Variants that disrupt the donor or acceptor splice site typically lead to a loss of protein function (PMID: 16199547), however the current clinical and genetic evidence is not sufficient to establish whether loss-of-function variants in MAP3K1 cause disease. This variant is not present in population databases (gnomAD no frequency). This variant has not been reported in the literature in individuals affected with MAP3K1-related conditions. Algorithms developed to predict the effect of sequence changes on RNA splicing suggest that this variant may disrupt the consensus splice site. In summary, the available evidence is currently insufficient to determine the role of this variant in disease. Therefore, it has been classified as a Variant of Uncertain Significance.

Literature cited by the submitters: PubMed 16199547.